The following is an entry in ClinVar:

ClinVar aggregate classification (germline): Likely benign (0 of 4 stars; one submission).

Conditions:
PRODH2-related disorder. Also called: PRODH2-related condition.

Allele frequency attached by ClinVar (database versions not stated): gnomAD exomes 0.00005; ExAC 0.00019; 1000 Genomes Project 0.00040; 1000 Genomes Project 30x 0.00047; gnomAD 0.00048; TOPMed 0.00058; ESP Exome Variant Server 0.00069.
gnomAD v4.1: 152 of 1,556,562 alleles (0.0098%); highest among the groups gnomAD compares: African/African-American, 0.18%; 1 homozygote.

Submission:

PreventionGenetics, part of Exact Sciences
Classification: Likely benign for PRODH2-related condition. Last evaluated: 2022-07-14. Review status: no assertion criteria provided. Collection method: clinical testing. Allele origin: germline.
Comment: This variant is classified as likely benign based on ACMG/AMP sequence variant interpretation guidelines (Richards et al. 2015 PMID: 25741868, with internal and published modifications).

NM_021232.2(PRODH2):c.-29C>T

Gene: PRODH2 (proline dehydrogenase 2; minus strand). Cytogenetic location: 19q13.12.
Variant type: single nucleotide variant.
Coding change: c.-29C>T on transcript NM_021232.2 (MANE Select); 29 bases upstream of the start codon, C replaced by T.
Molecular consequence: 5 prime UTR variant.
Genome position (GRCh38, 1-based): chr19:35,812,834, G>A on the plus strand (C>T on the coding strand, the complement: PRODH2 is on the minus strand). VCF-style: chr19-35812834-G-A. GRCh37 (hg19) VCF-style: chr19-36303736-G-A.
Other names: c.-29C>T (NM_001378292.1, NM_001378293.1, NM_001378294.1).
Identifiers: ClinVar variation 3047438 (VCV003047438.2), dbSNP rs141807024, ClinGen allele CA9389589.